The following is an entry in ClinVar:

ClinVar aggregate classification (germline): Pathogenic (1 of 4 stars; one submission).

Conditions:
POLG-related disorder. Also called: POLG-Related Spectrum Disorders; POLG-related condition; POLG-Related Disorders. Identifiers: MedGen C4763519.

Submission:

Myriad Genetics, Inc.
Classification: Pathogenic for POLG-related disorder. Last evaluated: 2024-11-01. Review status: criteria provided, single submitter. Criteria: Myriad Autosomal Dominant, Autosomal Recessive and X-Linked Classification Criteria (2023). Collection method: clinical testing. Allele origin: unknown.
Comment: NM_002693.2(POLG):c.3184G>T(E1062*) is expected to be pathogenic in the context of POLG-related disorders. This variant is predicted to lead to an abnormal or absent protein product due to the creation of a premature termination codon in POLG, a gene where loss-of-function variants are known to be pathogenic. Please note: this variant was assessed in the context of healthy population screening.

NM_002693.3(POLG):c.3184G>T (p.Glu1062Ter)

Gene: POLG (DNA polymerase gamma, catalytic subunit; minus strand). Cytogenetic location: 15q26.1.
Variant type: single nucleotide variant.
Coding change: c.3184G>T on transcript NM_002693.3 (MANE Select); coding-DNA position 3184, G replaced by T.
Protein change: p.Glu1062Ter; replaces glutamic acid 1062 with a stop codon.
Molecular consequence: nonsense.
Genome position (GRCh38, 1-based): chr15:89,319,020, C>A on the plus strand (G>T on the coding strand, the complement: POLG is on the minus strand). VCF-style: chr15-89319020-C-A. GRCh37 (hg19) VCF-style: chr15-89862251-C-A.
Other names: c.3184G>T, p.Glu1062Ter (NM_001126131.2); short protein forms E1062*.
Identifiers: ClinVar variation 5013694 (VCV005013694.1).